The following is an entry in ClinVar:

NM_020964.3(EPG5):c.6621+4A>C

Gene: EPG5 (ectopic P-granules 5 autophagy tethering factor; minus strand). Cytogenetic location: 18q12.3.
Variant type: single nucleotide variant.
Coding change: c.6621+4A>C on transcript NM_020964.3 (MANE Select); 4 bases into the intron after coding-DNA position 6621, A replaced by C.
Molecular consequence: intron variant.
Genome position (GRCh38, 1-based): chr18:45,866,794, T>G on the plus strand (A>C on the coding strand, the complement: EPG5 is on the minus strand). VCF-style: chr18-45866794-T-G. GRCh37 (hg19) VCF-style: chr18-43446759-T-G.
Identifiers: ClinVar variation 2004762 (VCV002004762.4), dbSNP rs2511486047, ClinGen allele CA2580095713.

ClinVar aggregate classification (germline): Uncertain significance (1 of 4 stars; one submission).

Conditions:
Vici syndrome (VICIS). Identifiers: Orphanet 1493, MedGen C1855772, MONDO:0009452, OMIM 242840.

Submission:

Labcorp Genetics (formerly Invitae), Labcorp
Classification: Uncertain significance for Vici syndrome. Last evaluated: 2022-06-11. Review status: criteria provided, single submitter. Criteria: Invitae Variant Classification Sherloc (09022015). Collection method: clinical testing. Allele origin: germline.
Comment: In summary, the available evidence is currently insufficient to determine the role of this variant in disease. Therefore, it has been classified as a Variant of Uncertain Significance. Variants that disrupt the consensus splice site are a relatively common cause of aberrant splicing (PMID: 17576681, 9536098). Algorithms developed to predict the effect of sequence changes on RNA splicing suggest that this variant may disrupt the consensus splice site. This variant has not been reported in the literature in individuals affected with EPG5-related conditions. This variant is not present in population databases (gnomAD no frequency). This sequence change falls in intron 38 of the EPG5 gene. It does not directly change the encoded amino acid sequence of the EPG5 protein. It affects a nucleotide within the consensus splice site.

Literature cited by the submitters: PubMed 17576681; PubMed 9536098.